The following is an entry in ClinVar:

NM_139215.3(TAF15):c.1485T>A (p.Gly495=)

Gene: TAF15 (TATA-box binding protein associated factor 15; plus strand). Cytogenetic location: 17q12.
Variant type: single nucleotide variant.
Coding change: c.1485T>A on transcript NM_139215.3 (MANE Select); coding-DNA position 1485, T replaced by A.
Protein change: p.Gly495=; no amino-acid change (glycine 495 retained).
Molecular consequence: synonymous variant.
Genome position (GRCh38, 1-based): chr17:35,844,784, T>A. VCF-style: chr17-35844784-T-A. GRCh37 (hg19) VCF-style: chr17-34171788-T-A.
Other names: c.1476T>A, p.Gly492= (NM_003487.4).
Identifiers: ClinVar variation 3770460 (VCV003770460.13).

ClinVar aggregate classification (germline): Likely benign (1 of 4 stars; one submission).

Submission:

CeGaT Center for Human Genetics Tuebingen
Classification: Likely benign. Last evaluated: 2025-02-01. Review status: criteria provided, single submitter. Criteria: CeGaT Center For Human Genetics Tuebingen Variant Classification Criteria Version 2. Collection method: clinical testing. Allele origin: germline. Affected: yes. Observed: 1 variant allele.
Comment: TAF15: BP4, BP7